The following is an entry in ClinVar:

ClinVar aggregate classification (germline): Uncertain significance. Review status: criteria provided, multiple submitters, no conflicts (2 of 4 stars). 4 submissions from 4 submitters: Uncertain significance (4). Last evaluated 2026-05-24.

Conditions:
Inborn genetic diseases. Identifiers: MedGen C0950123, MeSH D030342.
CACNA1D-related disorder.

Allele frequency attached by ClinVar (database versions not stated): ExAC 0.00001; gnomAD 0.00005; TOPMed 0.00007; gnomAD exomes 0.00010.
gnomAD v4.1: 151 of 1,613,860 alleles (0.0094%); highest among the groups gnomAD compares: Non-Finnish European, 0.012%; no homozygotes.

Submissions (4):

PreventionGenetics, part of Exact Sciences
Classification: Uncertain significance for CACNA1D-related condition. Last evaluated: 2026-05-24. Review status: criteria provided, single submitter. Criteria: ACMG Guidelines, 2015. Collection method: clinical testing. Allele origin: germline.
Comment: The CACNA1D c.4342A>G variant is predicted to result in the amino acid substitution p.Asn1448Asp. To our knowledge, this variant has not been reported in the literature. This variant is reported in 0.0062% of alleles in individuals of European (Non-Finnish) descent in gnomAD. At this time, the clinical significance of this variant is uncertain due to the absence of conclusive functional and genetic evidence.

Labcorp Genetics (formerly Invitae), Labcorp
Classification: Uncertain significance. Last evaluated: 2026-01-13. Review status: criteria provided, single submitter. Criteria: Invitae Variant Classification Sherloc (09022015). Collection method: clinical testing. Allele origin: germline.
Comment: This sequence change replaces asparagine, which is neutral and polar, with aspartic acid, which is acidic and polar, at codon 1448 of the CACNA1D protein (p.Asn1448Asp). This variant is present in population databases (rs762646899, gnomAD 0.006%). This variant has not been reported in the literature in individuals affected with CACNA1D-related conditions. ClinVar contains an entry for this variant (Variation ID: 2858696). Invitae Evidence Modeling of protein sequence and biophysical properties (such as structural, functional, and spatial information, amino acid conservation, physicochemical variation, residue mobility, and thermodynamic stability) indicates that this missense variant is not expected to disrupt CACNA1D protein function with a negative predictive value of 80%. In summary, the available evidence is currently insufficient to determine the role of this variant in disease. Therefore, it has been classified as a Variant of Uncertain Significance.

Ambry Genetics
Classification: Uncertain significance for Inborn genetic diseases. Last evaluated: 2025-03-31. Review status: criteria provided, single submitter. Criteria: Ambry Variant Classification Scheme 2023. Collection method: clinical testing. Allele origin: germline.

Blueprint Genetics
Classification: Uncertain significance. Last evaluated: 2023-02-10. Review status: criteria provided, single submitter. Criteria: ACMG Guidelines, 2015. Collection method: clinical testing. Allele origin: germline.

NM_001128840.3(CACNA1D):c.4282A>G (p.Asn1428Asp)

Gene: CACNA1D (calcium voltage-gated channel subunit alpha1 D; plus strand). Cytogenetic location: 3p21.1.
Variant type: single nucleotide variant.
Coding change: c.4282A>G on transcript NM_001128840.3 (MANE Select); coding-DNA position 4282, A replaced by G.
Protein change: p.Asn1428Asp; replaces asparagine 1428 with aspartic acid.
Molecular consequence: missense variant.
Genome position (GRCh38, 1-based): chr3:53,775,965, A>G. VCF-style: chr3-53775965-A-G. GRCh37 (hg19) VCF-style: chr3-53809992-A-G.
Other names: c.4342A>G, p.Asn1448Asp (NM_000720.4); c.4237A>G, p.Asn1413Asp (NM_001128839.3); c.4342A>G (NM_000720.2, NM_000720.3); short protein forms N1428D, N1413D, N1448D.
Identifiers: ClinVar variation 2858696 (VCV002858696.6), dbSNP rs762646899, ClinGen allele CA2454851.
Genomic context (GRCh38, chr3:53,775,965, plus strand): 5'-TGGCAGGAGATCATGCTGGCCTGTCTCCCAGGGAAGCTCTGTGACCCTGAGTCAGATTAC[A>G]ACCCCGGGGAGGAGTATACATGTGGGAGCAACTTTGCCATTGTCTATTTCATCAGTTTTT-3'
Protein context (NP_001122312.1, residues 1418-1438): GKLCDPESDY[Asn1428Asp]PGEEYTCGSN